The following is an entry in ClinVar:

ClinVar aggregate classification (germline): Uncertain significance (1 of 4 stars; one submission).

Submission:

CeGaT Center for Human Genetics Tuebingen
Classification: Uncertain significance. Last evaluated: 2022-07-01. Review status: criteria provided, single submitter. Criteria: CeGaT Center For Human Genetics Tuebingen Variant Classification Criteria Version 2. Collection method: clinical testing. Allele origin: germline. Affected: yes. Observed: 2 variant alleles.
Comment: SCN1A: PM2, PM5, PP2

NM_001165963.4(SCN1A):c.5389G>A (p.Ala1797Thr)

Genes: SCN1A (sodium voltage-gated channel alpha subunit 1; minus strand), LOC102724058 (uncharacterized LOC102724058; plus strand). Cytogenetic location: 2q24.3.
Variant type: single nucleotide variant.
Coding change: c.5389G>A on transcript NM_001165963.4 (MANE Select); coding-DNA position 5389, G replaced by A.
Protein change: p.Ala1797Thr; replaces alanine 1797 with threonine.
Molecular consequence: missense variant. On other transcripts: non-coding transcript variant (1).
Genome position (GRCh38, 1-based): chr2:165,991,886, C>T on the plus strand (G>A on the coding strand, the complement: SCN1A is on the minus strand). VCF-style: chr2-165991886-C-T. GRCh37 (hg19) VCF-style: chr2-166848396-C-T.
Other names: c.5305G>A, p.Ala1769Thr (NM_001165964.3, NM_001353957.2, NM_001353958.2); c.5389G>A, p.Ala1797Thr (NM_001202435.3, NM_001353948.2); c.5356G>A, p.Ala1786Thr (NM_001353949.2, NM_001353950.2, NM_001353951.2 and 2 more transcripts); c.5353G>A, p.Ala1785Thr (NM_001353954.2, NM_001353955.2); c.5302G>A, p.Ala1768Thr (NM_001353960.2); c.2947G>A, p.Ala983Thr (NM_001353961.2); short protein forms A1768T, A1769T, A1785T, A1786T, A1797T, A983T.
Identifiers: ClinVar variation 1335409 (VCV001335409.35), dbSNP rs794727413, ClinGen allele CA349067837.
Genomic context (GRCh38, chr2:165,991,886, plus strand): 5'-GATCAAACTTCTCCCAAACCTCATAGAACATCTCAAAGTCATCCTCACTCAGAGGCTCTG[C>T]ACTTTCTTCAGTAGCAACACTGAAGTTCTCCAGGATGACCGCGATGTACATGTTCACCAC-3'
Protein context (NP_001159435.1, residues 1787-1807): ENFSVATEES[Ala1797Thr]EPLSEDDFEM